The following is an entry in ClinVar:

GRCh38/hg38 12p13.2-13.1(chr12:11834825-12721983)x3

Genes: BCL2L14 (BCL2 like 14; plus strand), BORCS5 (BLOC-1 related complex subunit 5; plus strand), CDKN1B (cyclin dependent kinase inhibitor 1B; plus strand), CREBL2 (cAMP responsive element binding protein like 2; plus strand), DUSP16 (dual specificity phosphatase 16; minus strand) and 61 more. Cytogenetic location: 12p13.2-13.1.
Variant type: copy number gain.
Change: copy number 3 (three copies instead of two) of chr12:11,834,825-12,721,983 (887.2 kb, GRCh38 coordinates, 1-based), cytogenetic band 12p13.2-13.1.
Identifiers: ClinVar variation 4974713 (VCV004974713.1).

ClinVar aggregate classification (germline): Uncertain significance (1 of 4 stars; one submission).

Submission:

Clinical Genomics Laboratory, Laboratory for Precision Diagnostics, University of Washington
Classification: Uncertain significance. Last evaluated: 2025-01-15. Review status: criteria provided, single submitter. Criteria: ACMG/ClinGen CNV Guidelines, 2019. Collection method: clinical testing. Allele origin: unknown. Affected: yes. Observed: 1 variant allele.
Comment: The interstitial duplication is approximately 887 kb in size and affects nine protein-coding genes. None of the genes in this region are known to cause medical problems in humans when an extra copy is present (triplosensitivity), and this is not a known triplosensitive genomic region. The two breakpoints of the duplication lie within ETV6 (between exons 2 and 3) and near or within CDKN1B. It is unknown whether this duplication would disrupt ETV6 or CKN1B, affect their expression, or form a fusion of ETV6 and CDKN1B. Both ETV6 and CDKN1B are associated with OMIM phenotypes. Heterozygous variants in ETV6 can cause autosomal dominant thrombocytopenia-5 (OMIM #616216), while acquired somatic mutations in the ETV6 gene are associated with acute lymphocytic and myeloid leukemia and other types of cancer (see COSMIC). The autosomal dominant disorder of multiple endocrine neoplasia type IV (MEN4) (OMIM #610755) is caused by heterozygous variants in the CDKN1B gene. Acquired mutations in CDKN1B have also been reported in multiple types of cancer, including leukemia, lymphoma, and other cancer types (see COSMIC). No duplications with similar breakpoints were found in ClinVar, DECIPHER, or the medical literature shows. No duplications with similar breakpoints were found in the Database of Genomic Variants (DGV) and gnomAD.